The following is an entry in ClinVar:

ClinVar aggregate classification (germline): Uncertain significance (1 of 4 stars; one submission).

Conditions:
Hereditary spastic paraplegia 62. Also called: Spastic paraplegia 62, autosomal recessive. Identifiers: Orphanet 401785, MedGen C4284588, MONDO:0014302, OMIM 615681.

Allele frequency attached by ClinVar (database versions not stated): gnomAD 0.00001 and 0.00003; TOPMed 0.00002; 1000 Genomes Project 30x 0.00031; 1000 Genomes Project 0.00040.
gnomAD v4.1: 17 of 1,613,272 alleles (0.0011%); highest among the groups gnomAD compares: East Asian, 0.018%; no homozygotes.

Submission:

Labcorp Genetics (formerly Invitae), Labcorp
Classification: Uncertain significance for Hereditary spastic paraplegia 62. Last evaluated: 2024-02-24. Review status: criteria provided, single submitter. Criteria: Invitae Variant Classification Sherloc (09022015). Collection method: clinical testing. Allele origin: germline.
Comment: This sequence change replaces asparagine, which is neutral and polar, with aspartic acid, which is acidic and polar, at codon 339 of the ERLIN1 protein (p.Asn339Asp). This variant is present in population databases (rs199928340, gnomAD 0.006%). This variant has not been reported in the literature in individuals affected with ERLIN1-related conditions. ClinVar contains an entry for this variant (Variation ID: 1042966). An algorithm developed to predict the effect of missense changes on protein structure and function (PolyPhen-2) suggests that this variant is likely to be tolerated. In summary, the available evidence is currently insufficient to determine the role of this variant in disease. Therefore, it has been classified as a Variant of Uncertain Significance.

NM_006459.4(ERLIN1):c.1015A>G (p.Asn339Asp)

Gene: ERLIN1 (ER lipid raft associated 1; minus strand). Cytogenetic location: 10q24.31.
Variant type: single nucleotide variant.
Coding change: c.1015A>G on transcript NM_006459.4 (MANE Select); coding-DNA position 1015, A replaced by G.
Protein change: p.Asn339Asp; replaces asparagine 339 with aspartic acid.
Molecular consequence: missense variant. On other transcripts: non-coding transcript variant (6).
Genome position (GRCh38, 1-based): chr10:100,152,163, T>C on the plus strand (A>G on the coding strand, the complement: ERLIN1 is on the minus strand). VCF-style: chr10-100152163-T-C. GRCh37 (hg19) VCF-style: chr10-101911920-T-C.
Other names: c.1015A>G, p.Asn339Asp (NM_001100626.2, NM_001347857.2, NM_001347859.2 and 2 more transcripts); c.763A>G, p.Asn255Asp (NM_001347856.2); c.535A>G, p.Asn179Asp (NM_001347858.2); short protein forms N339D, N179D, N255D.
Identifiers: ClinVar variation 1042966 (VCV001042966.9), dbSNP rs199928340, ClinGen allele CA5645945.